The following is an entry in ClinVar:

NM_000518.5(HBB):c.282del (p.Cys94fs)

Genes: HBB (hemoglobin subunit beta; minus strand), LOC106099062 (HBB recombination region; plus strand), LOC107133510 (origin of replication at HBB; plus strand). Cytogenetic location: 11p15.4.
Variant type: Deletion.
Coding change: c.282del on transcript NM_000518.5 (MANE Select); coding-DNA position 282, one base deleted (T; older notation c.282delT).
Protein change: p.Cys94fs; shifts the reading frame from cysteine 94.
Molecular consequence: frameshift variant.
Genome position (GRCh38, 1-based): chr11:5,226,610, A deleted on the plus strand (T on the coding strand, the reverse complement: HBB is on the minus strand). VCF-style (leftmost placement, unchanged base first): chr11-5226609-CA-C. GRCh37 (hg19) VCF-style: chr11-5247839-CA-C.
Other names: short protein forms C94fs.
Identifiers: ClinVar variation 993073 (VCV000993073.1), dbSNP rs1847552371, ClinGen allele CA1139661795.
Genomic context (GRCh38, chr11:5,226,609, plus strand): 5'-GAAAACATCAAGCGTCCCATAGACTCACCCTGAAGTTCTCAGGATCCACGTGCAGCTTGT[CA>C]CAGTGCAGCTCACTCAGTGTGGCAAAGGTGCCCTTGAGGTTGTCCAGGTGAGCCAGGCCA-3'

ClinVar aggregate classification (germline): Pathogenic (1 of 4 stars; one submission).

Submission:

Quest Diagnostics Nichols Institute San Juan Capistrano
Classification: Pathogenic. Last evaluated: 2019-09-04. Review status: criteria provided, single submitter. Criteria: Quest Diagnostics criteria. Collection method: clinical testing. Allele origin: unknown.
Comment: The variant results in a shift of the reading frame, and is therefore predicted to result in the loss of a functional protein. Found in at least one patient with expected phenotype for this gene, and not found in general population data. Assessment of experimental evidence suggests this variant results in abnormal protein function.